The following is an entry in ClinVar:

NM_001510.4(GRID2):c.163GAG[1] (p.Glu56del)

Gene: GRID2 (glutamate ionotropic receptor delta type subunit 2; plus strand). Cytogenetic location: 4q22.1.
Variant type: Microsatellite.
Coding change: c.163GAG[1] on transcript NM_001510.4 (MANE Select); one copy of the 3-base unit GAG starting at c.163; the reference has two copies in a row; one copy, 3 bases deleted; also written c.166_168del.
Protein change: p.Glu56del; deletes glutamic acid 56.
Molecular consequence: inframe deletion.
Genome position (GRCh38, 1-based): chr4:92,590,208-92,590,210, GAG deleted; deleting any 3 consecutive bases within chr4:92,590,205-92,590,210 gives the same sequence; the position shown is the placement nearest the transcript's 3' end. VCF-style (leftmost placement, unchanged base first): chr4-92590204-TGAG-T. GRCh37 (hg19) VCF-style: chr4-93511355-TGAG-T.
Other names: c.163GAG[1], p.Glu56del (NM_001286838.1); c.166_168del (NM_001510.3); short protein forms E56del.
Identifiers: ClinVar variation 1929028 (VCV001929028.3), dbSNP rs763741990, ClinGen allele CA3011893.

ClinVar aggregate classification (germline): Uncertain significance. Review status: criteria provided, multiple submitters, no conflicts (2 of 4 stars). 2 submissions from 2 submitters: Uncertain significance (2). Last evaluated 2025-07-29.

Submissions (2):

GeneDx
Classification: Uncertain significance. Last evaluated: 2025-07-29. Review status: criteria provided, single submitter. Criteria: GeneDx Variant Classification Process June 2021. Collection method: clinical testing. Allele origin: germline. Affected: yes.
Comment: In-frame deletion of 1 amino acid in a non-repeat region; In silico analysis supports a deleterious effect on protein structure/function; Has not been previously published as pathogenic or benign to our knowledge

Labcorp Genetics (formerly Invitae), Labcorp
Classification: Uncertain significance. Last evaluated: 2022-03-26. Review status: criteria provided, single submitter. Criteria: Invitae Variant Classification Sherloc (09022015). Collection method: clinical testing. Allele origin: germline.
Comment: This variant, c.166_168del, results in the deletion of 1 amino acid(s) of the GRID2 protein (p.Glu56del), but otherwise preserves the integrity of the reading frame. This variant is present in population databases (rs763741990, gnomAD 0.02%). This variant has not been reported in the literature in individuals affected with GRID2-related conditions. Experimental studies and prediction algorithms are not available or were not evaluated, and the functional significance of this variant is currently unknown. In summary, the available evidence is currently insufficient to determine the role of this variant in disease. Therefore, it has been classified as a Variant of Uncertain Significance.